The following is an entry in ClinVar:

NM_000455.5(STK11):c.258A>G (p.Arg86=)

Gene: STK11 (serine/threonine kinase 11; plus strand). Cytogenetic location: 19p13.3.
Variant type: single nucleotide variant.
Coding change: c.258A>G on transcript NM_000455.5 (MANE Select); coding-DNA position 258, A replaced by G.
Protein change: p.Arg86=; no amino-acid change (arginine 86 retained).
Molecular consequence: synonymous variant.
Genome position (GRCh38, 1-based): chr19:1,207,171, A>G. VCF-style: chr19-1207171-A-G. GRCh37 (hg19) VCF-style: chr19-1207170-A-G.
Identifiers: ClinVar variation 1110527 (VCV001110527.10), dbSNP rs2145405874, ClinGen allele CA504706329.

ClinVar aggregate classification (germline): Benign/Likely benign. Review status: criteria provided, multiple submitters, no conflicts (2 of 4 stars). 2 submissions from 2 submitters: Benign (1); Likely benign (1). Last evaluated 2025-03-25.

Conditions:
Peutz-Jeghers syndrome (PJS). Also called: POLYPOSIS, HAMARTOMATOUS INTESTINAL; POLYPS-AND-SPOTS SYNDROME; Peutz-Jeghers polyposis; Periorificial lentiginosis syndrome. Identifiers: Orphanet 2869, MedGen C0031269, MeSH D010580, MONDO:0008280, OMIM 175200.

Submissions (2):

Myriad Genetics, Inc.
Classification: Benign for Peutz-Jeghers syndrome. Last evaluated: 2025-03-25. Review status: criteria provided, single submitter. Criteria: Myriad Autosomal Dominant, Autosomal Recessive and X-Linked Classification Criteria (2023). Collection method: clinical testing. Allele origin: unknown.
Comment: This variant is considered benign. This variant is a silent/synonymous amino acid change and it is not expected to impact splicing.

Labcorp Genetics (formerly Invitae), Labcorp
Classification: Likely benign for Peutz-Jeghers syndrome. Last evaluated: 2019-07-19. Review status: criteria provided, single submitter. Criteria: Invitae Variant Classification Sherloc (09022015). Collection method: clinical testing. Allele origin: germline.